The following is an entry in ClinVar:

ClinVar aggregate classification (germline): Pathogenic (1 of 4 stars; one submission).

Conditions:
Hereditary cancer-predisposing syndrome. Also called: Neoplastic Syndromes, Hereditary; Hereditary Cancer Syndrome; Hereditary neoplastic syndrome; Tumor predisposition. Identifiers: Orphanet 140162, MedGen C0027672, MeSH D009386, MONDO:0015356.

Submission:

Ambry Genetics
Classification: Pathogenic for Hereditary cancer-predisposing syndrome. Last evaluated: 2023-04-19. Review status: criteria provided, single submitter. Criteria: Ambry Variant Classification Scheme 2023. Collection method: clinical testing. Allele origin: germline.
Comment: The p.W2626C pathogenic mutation (also known as c.7878G>T), located in coding exon 16 of the BRCA2 gene, results from a G to T substitution at nucleotide position 7878. The tryptophan at codon 2626 is replaced by cysteine, an amino acid with highly dissimilar properties. Functional assays evaluating homology-directed DNA break repair (HDR), embryonic stem cell rescue viability, susceptibility to DNA damaging agents, chromosomal aberration, and RAD51 foci have all indicated deficient function for BRCA2 p.W2626C mutants (Biswas K et al. Blood 2011 Sep;118:2430-42; Guidugli L et al. Cancer Res 2013 Jan;73:265-75; Hendriks G et al. Hum Mutat 2014 Nov;35:1382-91; Guidugli L et al. Am J Hum Genet 2018 Jan; Mesman RLS et al. Genet Med, 2018 Jul). A close match (c.7878G>C) that results in the same predicted protein impact (p.W2626C) has been identified in unrelated Fanconi anemia patients, including confirmed in trans with a pathogenic BRCA2 alteration in one patient (Wagner JE et al. Blood 2004 Apr;103:3226-9; Kopic S et al. Acta Paediatr 2011 May;100:780-3). A family history weighting algorithm has described c.7878G>C to be hypomorphic (Pruss D et al. Breast Cancer Res Treat, 2014 Aug;147:119-32). This amino acid position is highly conserved in available vertebrate species. In addition, this alteration is predicted to be deleterious by in silico analysis. This variant is considered to be rare based on population cohorts in the Genome Aggregation Database (gnomAD). Based on the majority of available evidence to date, this alteration is interpreted as a disease-causing mutation. However, because this amino acid change has been identified in one or more patients with Fanconi anemia it may be hypomorphic and thus, carriers of this variant and their families may present with reduced risks, and not with the typical clinical characteristics of a high-risk pathogenic BRCA2 alteration. As risk estimates are unknown at this time, clinical correlation is advised.

NM_000059.4(BRCA2):c.7878G>T (p.Trp2626Cys)

Gene: BRCA2 (BRCA2 DNA repair associated; plus strand). Cytogenetic location: 13q13.1.
Variant type: single nucleotide variant.
Coding change: c.7878G>T on transcript NM_000059.4 (MANE Select); coding-DNA position 7878, G replaced by T.
Protein change: p.Trp2626Cys; replaces tryptophan 2626 with cysteine.
Molecular consequence: missense variant. On other transcripts: non-coding transcript variant (1).
Genome position (GRCh38, 1-based): chr13:32,362,595, G>T. VCF-style: chr13-32362595-G-T. GRCh37 (hg19) VCF-style: chr13-32936732-G-T.
Other names: c.7782G>T, p.Trp2594Cys (NM_001406719.1); c.7878G>T, p.Trp2626Cys (NM_001406720.1); c.2946G>T, p.Trp982Cys (NM_001406721.1); c.1461G>T, p.Trp487Cys (NM_001406722.1); short protein forms W2594C, W2626C, W487C, W982C.
Identifiers: ClinVar variation 2560953 (VCV002560953.2), dbSNP rs80359013, ClinGen allele CA387747104.